The following is an entry in ClinVar:

ClinVar aggregate classification (germline): Uncertain significance (0 of 4 stars; one submission).

Conditions:
NRP2-related disorder. Also called: NRP2-related condition.

Submission:

PreventionGenetics, part of Exact Sciences
Classification: Uncertain significance for NRP2-related condition. Last evaluated: 2024-03-15. Review status: no assertion criteria provided. Collection method: clinical testing. Allele origin: germline.
Comment: The NRP2 c.1888T>G variant is predicted to result in the amino acid substitution p.Cys630Gly. To our knowledge, this variant has not been reported in the literature or in a large population database, indicating this variant is rare. At this time, the clinical significance of this variant is uncertain due to the absence of conclusive functional and genetic evidence.

NM_003872.3(NRP2):c.1888T>G (p.Cys630Gly)

Gene: NRP2 (neuropilin 2; plus strand). Cytogenetic location: 2q33.3.
Variant type: single nucleotide variant.
Coding change: c.1888T>G on transcript NM_003872.3 (MANE Select); coding-DNA position 1888, T replaced by G.
Protein change: p.Cys630Gly; replaces cysteine 630 with glycine.
Molecular consequence: missense variant.
Genome position (GRCh38, 1-based): chr2:205,749,826, T>G. VCF-style: chr2-205749826-T-G. GRCh37 (hg19) VCF-style: chr2-206614550-T-G.
Other names: c.1888T>G, p.Cys630Gly (NM_018534.4, NM_201266.2, NM_201267.2 and 1 more transcripts); short protein forms C630G.
Identifiers: ClinVar variation 3348304 (VCV003348304.1).
Genomic context (GRCh38, chr2:205,749,826, plus strand): 5'-AGCGAAGAGACAACCACCCCCTACCCCACCGAAGAGGAGGCCACAGAGTGTGGGGAGAAC[T>G]GCAGCTTTGAGGATGGTAAGCACAAATTGCCTCCAGATGGCATGGGTGCGGACTAGTCAG-3'
Protein context (NP_003863.2, residues 620-640): EEEATECGEN[Cys630Gly]SFEDDKDLQL